The following is an entry in ClinVar:

NM_000391.4(TPP1):c.1585G>A (p.Glu529Lys)

Gene: TPP1 (tripeptidyl peptidase 1; minus strand). Cytogenetic location: 11p15.4.
Variant type: single nucleotide variant.
Coding change: c.1585G>A on transcript NM_000391.4 (MANE Select); coding-DNA position 1585, G replaced by A.
Protein change: p.Glu529Lys; replaces glutamic acid 529 with lysine.
Molecular consequence: missense variant.
Genome position (GRCh38, 1-based): chr11:6,614,653, C>T on the plus strand (G>A on the coding strand, the complement: TPP1 is on the minus strand). VCF-style: chr11-6614653-C-T. GRCh37 (hg19) VCF-style: chr11-6635884-C-T.
Other names: short protein forms E529K.
Identifiers: ClinVar variation 2023941 (VCV002023941.1), dbSNP rs2493795233, ClinGen allele CA379472156.

ClinVar aggregate classification (germline): Uncertain significance (1 of 4 stars; one submission).

Allele frequency attached by ClinVar (database versions not stated): gnomAD exomes below 0.00001.

Submission:

Labcorp Genetics (formerly Invitae), Labcorp
Classification: Uncertain significance. Last evaluated: 2022-08-13. Review status: criteria provided, single submitter. Criteria: Invitae Variant Classification Sherloc (09022015). Collection method: clinical testing. Allele origin: germline.
Comment: This sequence change replaces glutamic acid, which is acidic and polar, with lysine, which is basic and polar, at codon 529 of the TPP1 protein (p.Glu529Lys). This variant is not present in population databases (gnomAD no frequency). This variant has not been reported in the literature in individuals affected with TPP1-related conditions. Algorithms developed to predict the effect of missense changes on protein structure and function are either unavailable or do not agree on the potential impact of this missense change (SIFT: "Deleterious"; PolyPhen-2: "Benign"; Align-GVGD: "Class C0"). Algorithms developed to predict the effect of sequence changes on RNA splicing suggest that this variant may disrupt the consensus splice site. In summary, the available evidence is currently insufficient to determine the role of this variant in disease. Therefore, it has been classified as a Variant of Uncertain Significance.